The following is an entry in ClinVar:

ClinVar aggregate classification (germline): Uncertain significance (1 of 4 stars; one submission).

Conditions:
Mucopolysaccharidosis, MPS-III-A (MPS3A). Also called: Mucopolysaccharidosis, type IIIA; mucopolysaccharidosis type 3A; MPS IIIA (Sanfilippo Syndrome Type A); HEPARAN SULFATE SULFATASE DEFICIENCY; Mucopolysaccharidosis type IIIA (Sanfilippo A); SANFILIPPO SYNDROME A. Identifiers: Orphanet 581, Orphanet 79269, MedGen C0086647, MONDO:0009655, OMIM 252900.

Allele frequency attached by ClinVar (database versions not stated): gnomAD exomes below 0.00001; TOPMed below 0.00001; ExAC 0.00001.
gnomAD v4.1: 6 of 1,613,992 alleles (0.00037%); highest among the groups gnomAD compares: Non-Finnish European, 0.00051%; no homozygotes.

Submission:

Labcorp Genetics (formerly Invitae), Labcorp
Classification: Uncertain significance for Mucopolysaccharidosis, MPS-III-A. Last evaluated: 2021-11-22. Review status: criteria provided, single submitter. Criteria: Invitae Variant Classification Sherloc (09022015). Collection method: clinical testing. Allele origin: germline.
Comment: This sequence change replaces methionine, which is neutral and non-polar, with threonine, which is neutral and polar, at codon 376 of the SGSH protein (p.Met376Thr). This variant is present in population databases (rs775729169, gnomAD 0.0009%). This variant has not been reported in the literature in individuals affected with SGSH-related conditions. Algorithms developed to predict the effect of missense changes on protein structure and function (SIFT, PolyPhen-2, Align-GVGD) all suggest that this variant is likely to be tolerated. In summary, the available evidence is currently insufficient to determine the role of this variant in disease. Therefore, it has been classified as a Variant of Uncertain Significance.

NM_000199.5(SGSH):c.1127T>C (p.Met376Thr)

Gene: SGSH (N-sulfoglucosamine sulfohydrolase; minus strand). Cytogenetic location: 17q25.3.
Variant type: single nucleotide variant.
Coding change: c.1127T>C on transcript NM_000199.5 (MANE Select); coding-DNA position 1127, T replaced by C.
Protein change: p.Met376Thr; replaces methionine 376 with threonine.
Molecular consequence: missense variant. On other transcripts: 3 prime UTR variant (2), non-coding transcript variant (1).
Genome position (GRCh38, 1-based): chr17:80,210,834, A>G on the plus strand (T>C on the coding strand, the complement: SGSH is on the minus strand). VCF-style: chr17-80210834-A-G. GRCh37 (hg19) VCF-style: chr17-78184633-A-G.
Other names: c.*214T>C (NM_001352921.3); c.*177T>C (NM_001352922.2); short protein forms M376T.
Identifiers: ClinVar variation 1378737 (VCV001378737.3), dbSNP rs775729169, ClinGen allele CA8817670.